The following is an entry in ClinVar:

ClinVar aggregate classification (germline): Uncertain significance (1 of 4 stars; one submission).

Allele frequency attached by ClinVar (database versions not stated): ExAC 0.00002.
gnomAD v4.1: 15 of 1,613,978 alleles (0.00093%); highest among the groups gnomAD compares: Non-Finnish European, 0.0013%; no homozygotes.

Submission:

Women's Health and Genetics/Laboratory Corporation of America, LabCorp
Classification: Uncertain significance. Last evaluated: 2024-03-18. Review status: criteria provided, single submitter. Criteria: LabCorp Variant Classification Summary - May 2015. Collection method: clinical testing. Allele origin: germline.
Comment: Variant summary: NPHS2 c.586C>G (p.Arg196Gly) results in a non-conservative amino acid change located in the Stomatin/HflK family domain (IPR001972) of the encoded protein sequence. Five of five in-silico tools predict a damaging effect of the variant on protein function. The variant allele was found at a frequency of 8e-06 in 251184 control chromosomes (gnomAD). c.586C>G has been reported in the literature in an individual affected with Nephrotic Syndrome, Type 2 (Dhandapani_2017). These data indicate that the variant may be associated with disease. To our knowledge, no experimental evidence demonstrating an impact on protein function has been reported. The following publication has been ascertained in the context of this evaluation (PMID: 26820844). No submitters have cited clinical-significance assessments for this variant to ClinVar. Based on the evidence outlined above, the variant was classified as VUS-possibly pathogenic.

Literature cited by the submitters: PubMed 26820844.

NM_014625.4(NPHS2):c.586C>G (p.Arg196Gly)

Gene: NPHS2 (NPHS2 stomatin family member, podocin; minus strand). Cytogenetic location: 1q25.2.
Variant type: single nucleotide variant.
Coding change: c.586C>G on transcript NM_014625.4 (MANE Select); coding-DNA position 586, C replaced by G.
Protein change: p.Arg196Gly; replaces arginine 196 with glycine.
Molecular consequence: missense variant. On other transcripts: intron variant (1).
Genome position (GRCh38, 1-based): chr1:179,557,179, G>C on the plus strand (C>G on the coding strand, the complement: NPHS2 is on the minus strand). VCF-style: chr1-179557179-G-C. GRCh37 (hg19) VCF-style: chr1-179526314-G-C.
Other names: c.534+2500C>G (NM_001297575.2); short protein forms R196G.
Identifiers: ClinVar variation 3233905 (VCV003233905.2), dbSNP rs12568913, ClinGen allele CA1267178.